The following is an entry in ClinVar:

ClinVar aggregate classification (germline): Pathogenic. Review status: criteria provided, multiple submitters, no conflicts (2 of 4 stars). 10 submissions from 10 submitters: Pathogenic (7). 3 of the submissions do not count toward it. Last evaluated 2026-02-25.

Conditions:
Polycystic kidney disease, adult type (PKD1). Also called: Polycystic Kidney, Autosomal Dominant; Polycystic Kidney Disease 1, Autosomal Dominant; Polycystic kidney disease 1; Polycystic kidney disease 1, severe; POLYCYSTIC KIDNEY DISEASE, ADULT, TYPE I; POLYCYSTIC KIDNEY DISEASE 1 WITH OR WITHOUT POLYCYSTIC LIVER DISEASE. Identifiers: MedGen C3149841, MONDO:0008263, OMIM 173900.
Polycystic kidney disease. Also called: Kidney, Polycystic; Polycystic kidney dysplasia. Identifiers: MedGen C0022680, MeSH D007690, MONDO:0020642, HP:0000113.
PKD1-Biallelic Autosomal Recessive Polycystic Kidney Disease.
PKD1-related disorder. Also called: PKD1-related condition.

Submissions (10):

GeneDx
Classification: Pathogenic. Last evaluated: 2026-02-25. Review status: criteria provided, single submitter. Criteria: GeneDx Variant Classification Process June 2021. Collection method: clinical testing. Allele origin: germline.
Comment: Not observed at significant frequency in large population cohorts (gnomAD); In silico analysis supports that this missense variant has a deleterious effect on protein structure/function; In silico analysis is inconclusive as to whether the variant alters gene splicing. In the absence of RNA/functional studies, the actual effect of this sequence change is unknown.; This variant is associated with the following publications: (PMID: 21706482, 11691639, 39888183, 30586318, 24907393, 25525159, 23431072, 23985799, 10729710, 27782177, 30333007, 29529603, 22508176, 17582161, 27835667, 36938073, 37078890, 36186434, 34886911, 39019822, 39168639, 37509056, 37468838)

Dasa
Classification: Pathogenic for Polycystic kidney disease, adult type. Last evaluated: 2025-12-17. Review status: criteria provided, single submitter. Criteria: DASA Assertion Criteria. Collection method: clinical testing. Allele origin: germline.
Comment: NM_001009944.3(PKD1):c.11257C>T (p.Arg3753Trp) introduces an arginine-to-tryptophan substitution at a residue with other pathogenic substitutions, recurrently observed in individuals with autosomal dominant polycystic kidney disease (PMID: 11691639). Additionally, it is present at very low frequency in population datasets. Based on the available data, this variant is classified as pathogenic.

PreventionGenetics, part of Exact Sciences
Classification: Pathogenic for PKD1-related condition. Last evaluated: 2025-10-18. Review status: criteria provided, single submitter. Criteria: ACMG Guidelines, 2015. Collection method: clinical testing. Allele origin: germline.
Comment: The PKD1 c.11257C>T variant is predicted to result in the amino acid substitution p.Arg3753Trp. This variant has been reported in individuals with autosomal dominant polycystic kidney disease, in one of whom it was found to be de novo (Chang et al. 2013. PubMed ID: 23985799; Xu et al. 2018. PubMed ID: 29529603; and Duan et al. 2024. PubMed ID: 39019822). This variant has not been reported in a large population database (gnomAD), but frequency data for this variant is considered unreliable at this position. Protein predictors indicate that this variant may disrupt protein function. This variant is consistently classified as pathogenic in ClinVar (Variation ID: 562323). Other missense variants at this codon (p.Arg3753Gln and p.Arg3753Gly) have been reported in individuals with clinical features of autosomal dominant polycystic kidney disease (Rossetti et al. 2007. PubMed ID: 17582161; Benson et al. 2021. PubMed ID: 3345472; Suppl. Table S6, Kinoshita et al. 2016. PubMed ID: 27835667) suggesting this codon is clinically important. This variant is interpreted as pathogenic.

Women's Health and Genetics/Laboratory Corporation of America, LabCorp
Classification: Pathogenic for PKD1-Biallelic Autosomal Recessive Polycystic Kidney Disease. Last evaluated: 2025-03-21. Review status: criteria provided, single submitter. Criteria: LabCorp Variant Classification Summary - May 2015. Collection method: clinical testing. Allele origin: germline.
Comment: Variant summary: PKD1 c.11257C>T (p.Arg3753Trp) results in a non-conservative amino acid change located in the Polycystin domain (IPR046791) of the encoded protein sequence. Five of five in-silico tools predict a damaging effect of the variant on protein function. The frequency data for this variant in gnomAD is considered unreliable, as metrics indicate poor data quality at this position. c.11257C>T has been reported in the literature in individuals affected with Autosomal Dominant Polycystic Kidney Disease and one of the reported cases has been de novo for this variant (Kim_2000, Chang_2013, Xu_2018, Groopman_2019, Duan_2024). These data indicate that the variant is very likely to be associated with disease. To our knowledge, no experimental evidence demonstrating an impact on protein function has been reported. The following publications have been ascertained in the context of this evaluation (PMID: 23985799, 39019822, 30586318, 10729710, 29529603). ClinVar contains an entry for this variant (Variation ID: 562323). Based on the evidence outlined above, the variant was classified as pathogenic.

Blueprint Genetics
Classification: Pathogenic for PKD1-related disorders. Last evaluated: 2024-09-24. Review status: criteria provided, single submitter. Criteria: ACMG Guidelines, 2015. Collection method: clinical testing. Allele origin: germline. Affected: yes. Observed: 4 variant alleles.

Fulgent Genetics
Classification: Pathogenic for Polycystic kidney disease, adult type. Last evaluated: 2021-06-30. Review status: criteria provided, single submitter. Criteria: ACMG Guidelines, 2015. Collection method: clinical testing. Allele origin: unknown.
Comment: This variant has been detected in individual(s) who were sent for testing of Renasight - kidney gene panel.

Juno Genomics, Hangzhou Juno Genomics, Inc
Classification: Pathogenic for Polycystic kidney disease, adult type. Review status: criteria provided, single submitter. Criteria: ACMG Guidelines, 2015. Collection method: clinical testing. Allele origin: germline. Affected: yes.
Comment: Absent from controls (or at extremely low frequency if recessive) in Genome Aggregation Database, Exome Sequencing Project, 1000 Genomes Project, or Exome Aggregation Consortium.;The prevalence of the variant in affected individuals is significantly increased compared to the prevalence in controls.;Assumed de novo, but without confirmation of paternity and maternity.;Patient's phenotype or family history is highly specific for a disease with a single genetic etiology.;Multiple lines of computational evidence support a deleterious effect on the gene or gene product (conservation, evolutionary, splicing impact, etc).;Novel missense change at an amino acid residue where a different missense change determined to be pathogenic has been seen before.

Biochemical Molecular Genetic Laboratory, King Abdulaziz Medical City
Classification: Pathogenic for Polycystic kidney disease, adult type. Last evaluated: 2020-02-05. Review status: no assertion criteria provided. Collection method: clinical testing. Allele origin: germline. Affected: yes. Not counted in ClinVar's aggregate classification.

Gharavi Laboratory, Columbia University
Classification: Pathogenic. Last evaluated: 2018-09-16. Review status: no assertion criteria provided. Criteria: ACMG Guidelines, 2015. Collection method: research. Allele origin: germline. Affected: yes. Not counted in ClinVar's aggregate classification.

Department of Pathology and Laboratory Medicine, Sinai Health System
Classification: Uncertain significance for Polycystic Kidney disease. Review status: no assertion criteria provided. Collection method: clinical testing. Allele origin: unknown. Affected: yes. Study: The Canadian Open Genetics Repository (COGR). Not counted in ClinVar's aggregate classification.
Comment: The PKD1 p.Arg3753Trp variant was identified in 8 of 2172 proband chromosomes (frequency: 0.004) from individuals or families with ADPKD (AudrâˆšÂ©zet 2012, Chang 2013, Kinoshita 2016). The variant was assessed to be likely pathogenic using a newly developed software package that integrated seven databases (Kinoshita 2016). In two functional studies on a different nucleotide change at the same position, the synonomous variant (c.11257C>A, p.Arg3753Arg), induced a pre-mRNA splicing defect, generating a new donor splice site and incorporating incomplete exons (Claverie-Martin 2015 , Gonzalez-Paredes 2014). The variant was not identified in the ADPKD Mutation Database, but an alternate substitution at this codon (c.11258G>A, p.R3753Q) was identified as being highly likely pathogenic. The variant was also not identified in dbSNP, ClinVar, GeneInsight-COGR, LOVD 3.0, PKD1-LOVD, the 1000 Genomes Project, the NHLBI GO Exome Sequencing Project or the Genome Aggregation Consortium (Feb 27 2017) control databases. The p.Arg3753Trp residue is conserved across mammals and other organisms, and four out of four computational analyses (SIFT, AlignGVGD, BLOSUM, MutationTaster) suggest that the Trp variant may impact the protein; however, this information is not predictive enough to assume pathogenicity. The variant occurs outside of the splicing consensus sequence and 2 of 5 in silico or computational prediction software programs (SpliceSiteFinder, MaxEntScan, NNSPLICE, GeneSplicer, HumanSpliceFinder) predict a greater than 10% difference in splicing; this is not very predictive of pathogenicity. In summary, based on the above information the clinical significance of this variant cannot be determined with certainty at this time. This variant is classified as uncertain significance.

Literature cited by the submitters: PubMed 11691639 (cited by Dasa); PubMed 10729710 (cited by Dasa and Women's Health and Genetics/Laboratory Corporation of America, LabCorp); PubMed 37468838 (cited by Dasa); PubMed 30586318 (cited by Women's Health and Genetics/Laboratory Corporation of America, LabCorp); PubMed 23985799 (cited by Women's Health and Genetics/Laboratory Corporation of America, LabCorp); PubMed 39019822 (cited by Women's Health and Genetics/Laboratory Corporation of America, LabCorp); PubMed 29529603 (cited by Women's Health and Genetics/Laboratory Corporation of America, LabCorp).

NM_001009944.3(PKD1):c.11257C>T (p.Arg3753Trp)

Genes: PKD1-AS1 (PKD1 antisense RNA 1; plus strand), PKD1 (polycystin 1, transient receptor potential channel interacting; minus strand). Cytogenetic location: 16p13.3.
Variant type: single nucleotide variant.
Coding change: c.11257C>T on transcript NM_001009944.3 (MANE Select); coding-DNA position 11257, C replaced by T.
Protein change: p.Arg3753Trp; replaces arginine 3753 with tryptophan.
Molecular consequence: missense variant.
Genome position (GRCh38, 1-based): chr16:2,092,492, G>A on the plus strand (C>T on the coding strand, the complement: PKD1 is on the minus strand). VCF-style: chr16-2092492-G-A. GRCh37 (hg19) VCF-style: chr16-2142493-G-A.
Other names: c.11254C>T, p.Arg3752Trp (NM_000296.4); short protein forms R3753W, R3752W.
Identifiers: ClinVar variation 562323 (VCV000562323.14), dbSNP rs1167476946, ClinGen allele CA394336136.